The following is an entry in ClinVar:

ClinVar aggregate classification (germline): Uncertain significance (1 of 4 stars; one submission).

Conditions:
Facioscapulohumeral muscular dystrophy 2 (FSHD2). Also called: MUSCULAR DYSTROPHY, FACIOSCAPULOHUMERAL, TYPE 1B; FACIOSCAPULOHUMERAL MUSCULAR DYSTROPHY 2, DIGENIC; FSHD2, DIGENIC. Identifiers: Orphanet 269, MedGen C1834671, MONDO:0008031, OMIM 158901.

Allele frequency attached by ClinVar (database versions not stated): TOPMed below 0.00001.

Submission:

Labcorp Genetics (formerly Invitae), Labcorp
Classification: Uncertain significance for Facioscapulohumeral muscular dystrophy 2. Last evaluated: 2022-05-19. Review status: criteria provided, single submitter. Criteria: Invitae Variant Classification Sherloc (09022015). Collection method: clinical testing. Allele origin: germline.
Comment: This variant has not been reported in the literature in individuals affected with SMCHD1-related conditions. This sequence change replaces alanine, which is neutral and non-polar, with glycine, which is neutral and non-polar, at codon 601 of the SMCHD1 protein (p.Ala601Gly). This variant is not present in population databases (gnomAD no frequency). Algorithms developed to predict the effect of missense changes on protein structure and function are either unavailable or do not agree on the potential impact of this missense change (SIFT: "Deleterious"; PolyPhen-2: "Possibly Damaging"; Align-GVGD: "Class C0"). In summary, the available evidence is currently insufficient to determine the role of this variant in disease. Therefore, it has been classified as a Variant of Uncertain Significance.

NM_015295.3(SMCHD1):c.1802C>G (p.Ala601Gly)

Gene: SMCHD1 (structural maintenance of chromosomes flexible hinge domain containing 1; plus strand). Cytogenetic location: 18p11.32.
Variant type: single nucleotide variant.
Coding change: c.1802C>G on transcript NM_015295.3 (MANE Select); coding-DNA position 1802, C replaced by G.
Protein change: p.Ala601Gly; replaces alanine 601 with glycine.
Molecular consequence: missense variant.
Genome position (GRCh38, 1-based): chr18:2,703,846, C>G. VCF-style: chr18-2703846-C-G. GRCh37 (hg19) VCF-style: chr18-2703844-C-G.
Other names: short protein forms A601G.
Identifiers: ClinVar variation 2119200 (VCV002119200.4), dbSNP rs2074456005, ClinGen allele CA401678588.